The following is an entry in ClinVar:

ClinVar aggregate classification (germline): Uncertain significance (1 of 4 stars; one submission).

gnomAD v4.1: 3 of 1,614,174 alleles (0.00019%); highest among the groups gnomAD compares: Non-Finnish European, 0.00025%; no homozygotes.

Submission:

Ambry Genetics
Classification: Uncertain significance. Last evaluated: 2025-02-03. Review status: criteria provided, single submitter. Criteria: Ambry Variant Classification Scheme 2023. Collection method: clinical testing. Allele origin: germline.
Comment: The p.G243C variant (also known as c.727G>T), located in coding exon 1 of the CDK12 gene, results from a G to T substitution at nucleotide position 727. The glycine at codon 243 is replaced by cysteine, an amino acid with highly dissimilar properties. This amino acid position is conserved. In addition, this alteration is predicted to be tolerated by in silico analysis. Based on the available evidence, the clinical significance of this variant remains unclear.

NM_016507.4(CDK12):c.727G>T (p.Gly243Cys)

Genes: CDK12 (cyclin dependent kinase 12; plus strand), LOC126862553 (CDK7 strongly-dependent group 2 enhancer GRCh37_chr17:37618166-37619365; plus strand). Cytogenetic location: 17q12.
Variant type: single nucleotide variant.
Coding change: c.727G>T on transcript NM_016507.4 (MANE Select); coding-DNA position 727, G replaced by T.
Protein change: p.Gly243Cys; replaces glycine 243 with cysteine.
Molecular consequence: missense variant.
Genome position (GRCh38, 1-based): chr17:39,462,798, G>T. VCF-style: chr17-39462798-G-T. GRCh37 (hg19) VCF-style: chr17-37619051-G-T.
Other names: c.727G>T, p.Gly243Cys (NM_015083.4); short protein forms G243C.
Identifiers: ClinVar variation 3830604 (VCV003830604.1).
Genomic context (GRCh38, chr17:39,462,798, plus strand): 5'-CCCCACAGGAAGTGGTCTGACAGCTCCAAACAAGATGATAGCCCCTCGGGAGCTTCTTAT[G>T]GCCAAGATTATGACCTTAGTCCCTCACGATCTCATACCTCGAGCAATTATGACTCCTACA-3'
Protein context (NP_057591.2, residues 233-253): QDDSPSGASY[Gly243Cys]QDYDLSPSRS